The following is an entry in ClinVar:

NM_177438.3(DICER1):c.114T>C (p.His38=)

Gene: DICER1 (dicer 1, ribonuclease III; minus strand). Cytogenetic location: 14q32.13.
Variant type: single nucleotide variant.
Coding change: c.114T>C on transcript NM_177438.3 (MANE Select); coding-DNA position 114, T replaced by C.
Protein change: p.His38=; no amino-acid change (histidine 38 retained).
Molecular consequence: synonymous variant.
Genome position (GRCh38, 1-based): chr14:95,133,345, A>G on the plus strand (T>C on the coding strand, the complement: DICER1 is on the minus strand). VCF-style: chr14-95133345-A-G. GRCh37 (hg19) VCF-style: chr14-95599682-A-G.
Other names: c.114T>C (NM_177438.2); c.114T>C, p.His38= (NM_001195573.1, NM_001271282.3, NM_001291628.2 and 1 more transcripts).
Identifiers: ClinVar variation 1633755 (VCV001633755.12), dbSNP rs2140295443, ClinGen allele CA487634174.
Genomic context (GRCh38, chr14:95,133,345, plus strand): 5'-ATGCTCCAGTATTAGTGTTCGCATTAGTACCTGATATTTTCTTGGCGTATAAATGTTATC[A>G]TGAATTGCTTCTTGTTGCCATGGCAGTCCAAAGAAAGGACCCATTGGTGAGGAAGCAGGG-3'
Protein context (NP_803187.1, residues 28-48): FGLPWQQEAI[His38=]DNIYTPRKYQ

ClinVar aggregate classification (germline): Benign/Likely benign. Review status: criteria provided, multiple submitters, no conflicts (2 of 4 stars). 3 submissions from 3 submitters: Benign (1); Likely benign (2). Last evaluated 2026-04-14.

Conditions:
Hereditary cancer-predisposing syndrome. Also called: Neoplastic Syndromes, Hereditary; Tumor predisposition; Hereditary neoplastic syndrome; Hereditary Cancer Syndrome. Identifiers: Orphanet 140162, MedGen C0027672, MeSH D009386, MONDO:0015356.
DICER1-related tumor predisposition. Also called: DICER1-related pleuropulmonary blastoma cancer predisposition syndrome; DICER1 syndrome. Identifiers: Orphanet 284343, MedGen C3839822, MONDO:0100216.

Submissions (3):

Myriad Genetics, Inc.
Classification: Benign for DICER1-related tumor predisposition. Last evaluated: 2026-04-14. Review status: criteria provided, single submitter. Criteria: Myriad Autosomal Dominant, Autosomal Recessive and X-Linked Classification Criteria (2023). Collection method: clinical testing. Allele origin: unknown.
Comment: This variant is considered benign. This variant is a silent/synonymous amino acid change and it is not expected to impact splicing.

Labcorp Genetics (formerly Invitae), Labcorp
Classification: Likely benign for DICER1-related tumor predisposition. Last evaluated: 2023-09-29. Review status: criteria provided, single submitter. Criteria: Invitae Variant Classification Sherloc (09022015). Collection method: clinical testing. Allele origin: germline.

Ambry Genetics
Classification: Likely benign for Hereditary cancer-predisposing syndrome. Last evaluated: 2022-11-15. Review status: criteria provided, single submitter. Criteria: Ambry Variant Classification Scheme 2023. Collection method: clinical testing. Allele origin: germline.